The following is an entry in ClinVar:

ClinVar aggregate classification (germline): Likely benign. Review status: criteria provided, single submitter (1 of 4 stars). 2 submissions from 2 submitters: Likely benign (1). 1 of the submissions does not count toward it. Last evaluated 2026-09-01.

Conditions:
BRSK2-related disorder. Also called: BRSK2-related condition; BRSK2-Related Disorders.

gnomAD v4.1: 19 of 1,578,850 alleles (0.0012%); highest among the groups gnomAD compares: Middle Eastern, 0.017%; no homozygotes.

Submissions (2):

CeGaT Center for Human Genetics Tuebingen
Classification: Likely benign. Last evaluated: 2026-09-01. Review status: criteria provided, single submitter. Criteria: CeGaT Center For Human Genetics Tuebingen Variant Classification Criteria Version 2. Collection method: clinical testing. Allele origin: germline. Affected: yes. Observed: 1 variant allele.
Comment: BRSK2: BP4, BP7

PreventionGenetics, part of Exact Sciences
Classification: Likely benign for BRSK2-related condition. Last evaluated: 2021-12-03. Review status: no assertion criteria provided. Collection method: clinical testing. Allele origin: germline. Not counted in ClinVar's aggregate classification.
Comment: This variant is classified as likely benign based on ACMG/AMP sequence variant interpretation guidelines (Richards et al. 2015 PMID: 25741868, with internal and published modifications).

NM_001256627.2(BRSK2):c.1827C>T (p.Ser609=)

Gene: BRSK2 (BR serine/threonine kinase 2; plus strand). Cytogenetic location: 11p15.5.
Variant type: single nucleotide variant.
Coding change: c.1827C>T on transcript NM_001256627.2 (MANE Select); coding-DNA position 1827, C replaced by T.
Protein change: p.Ser609=; no amino-acid change (serine 609 retained).
Molecular consequence: synonymous variant. On other transcripts: non-coding transcript variant (1).
Genome position (GRCh38, 1-based): chr11:1,456,506, C>T. VCF-style: chr11-1456506-C-T. GRCh37 (hg19) VCF-style: chr11-1477736-C-T.
Other names: c.1827C>T, p.Ser609= (NM_001256629.2, NM_003957.4); c.1965C>T, p.Ser655= (NM_001256630.1); c.1647C>T, p.Ser549= (NM_001282218.2).
Identifiers: ClinVar variation 3032140 (VCV003032140.3), dbSNP rs771416078, ClinGen allele CA5811223.